The following is an entry in ClinVar:

ClinVar aggregate classification (germline): Uncertain significance (1 of 4 stars; one submission).

Submission:

Labcorp Genetics (formerly Invitae), Labcorp
Classification: Uncertain significance. Last evaluated: 2022-07-23. Review status: criteria provided, single submitter. Criteria: Invitae Variant Classification Sherloc (09022015). Collection method: clinical testing. Allele origin: germline.
Comment: This sequence change replaces lysine, which is basic and polar, with glutamine, which is neutral and polar, at codon 347 of the CD55 protein (p.Lys347Gln). This variant is not present in population databases (gnomAD no frequency). This variant has not been reported in the literature in individuals affected with CD55-related conditions. Algorithms developed to predict the effect of missense changes on protein structure and function (SIFT, PolyPhen-2, Align-GVGD) all suggest that this variant is likely to be tolerated. In summary, the available evidence is currently insufficient to determine the role of this variant in disease. Therefore, it has been classified as a Variant of Uncertain Significance.

NM_000574.5(CD55):c.1039A>C (p.Lys347Gln)

Gene: CD55 (CD55 molecule (Cromer blood group); plus strand). Cytogenetic location: 1q32.2.
Variant type: single nucleotide variant.
Coding change: c.1039A>C on transcript NM_000574.5 (MANE Select); coding-DNA position 1039, A replaced by C.
Protein change: p.Lys347Gln; replaces lysine 347 with glutamine.
Molecular consequence: missense variant. On other transcripts: non-coding transcript variant (1).
Genome position (GRCh38, 1-based): chr1:207,337,388, A>C. VCF-style: chr1-207337388-A-C. GRCh37 (hg19) VCF-style: chr1-207510733-A-C.
Other names: c.1039A>C, p.Lys347Gln (NM_001114752.3, NM_001300902.2, NM_001300903.2 and 1 more transcripts); short protein forms K347Q.
Identifiers: ClinVar variation 1929111 (VCV001929111.2), dbSNP rs142809668, ClinGen allele CA344522544.